The following is an entry in ClinVar:

ClinVar aggregate classification (germline): Conflicting classifications of pathogenicity. Review status: criteria provided, conflicting classifications (1 of 4 stars). 4 submissions from 4 submitters: Uncertain significance (2); Benign (1). 1 of the submissions does not count toward it. Last evaluated 2026-01-28.

Conditions:
Cardiovascular phenotype. Identifiers: MedGen CN230736.
Becker muscular dystrophy (BMD). Also called: MUSCULAR DYSTROPHY, PSEUDOHYPERTROPHIC PROGRESSIVE, BECKER TYPE; Becker Muscular Dystrophy (BMD). Identifiers: Orphanet 98895, MedGen C0917713, MONDO:0010311, OMIM 300376.
Cardiomyopathy (CMYO). Also called: Cardiomyopathies. Identifiers: Orphanet 167848, MedGen C0878544, MONDO:0004994, HP:0001638. Inheritance: Various modes of inheritance.
Duchenne muscular dystrophy (DMD). Also called: MUSCULAR DYSTROPHY, PSEUDOHYPERTROPHIC PROGRESSIVE, DUCHENNE TYPE; Duchenne Muscular Dystrophy (DMD). Identifiers: Orphanet 98896, MedGen C0013264, MONDO:0010679, OMIM 310200.
Dystrophin deficiency.

Allele frequency attached by ClinVar (database versions not stated): gnomAD exomes 0.00002; TOPMed 0.00003; gnomAD 0.00001.
gnomAD v4.1: 18 of 1,181,968 alleles (0.0015%); highest among the groups gnomAD compares: Non-Finnish European, 0.002%; no homozygotes.

Submissions (4):

Labcorp Genetics (formerly Invitae), Labcorp
Classification: Benign for Duchenne muscular dystrophy. Last evaluated: 2026-01-28. Review status: criteria provided, single submitter. Criteria: Invitae Variant Classification Sherloc (09022015). Collection method: clinical testing. Allele origin: germline.

Ambry Genetics
Classification: Uncertain significance for Cardiovascular phenotype. Last evaluated: 2021-01-12. Review status: criteria provided, single submitter. Criteria: Ambry Variant Classification Scheme 2023. Collection method: clinical testing. Allele origin: germline.
Comment: The p.N2211S variant (also known as c.6632A>G), located in coding exon 46 of the DMD gene, results from an A to G substitution at nucleotide position 6632. The asparagine at codon 2211 is replaced by serine, an amino acid with highly similar properties. This amino acid position is well conserved in available vertebrate species; however, serine is the reference amino acid in other vertebrate species. In addition, this alteration is predicted to be tolerated by in silico analysis. Since supporting evidence is limited at this time, the clinical significance of this alteration remains unclear.

GeneDx
Classification: Uncertain significance. Last evaluated: 2017-04-11. Review status: criteria provided, single submitter. Criteria: GeneDx Variant Classification (06012015). Collection method: clinical testing. Allele origin: germline. Affected: yes.
Comment: The N2211S variant has not been published as pathogenic or been reported as benign to our knowledge. The N2211S variant is not observed in large population cohorts (Lek et al., 2016; 1000 Genomes Consortium et al., 2015; Exome Variant Server). Nevertheless, the N2211S variant is a conservative amino acid substitution, which is not likely to impact secondary protein structure as these residues share similar properties. This substitution occurs at a position that is not conserved across species, where S2211 is wild-type in two mammalian species. In silico analysis is inconsistent in its predictions as to whether or not the variant is damaging to the protein structure/function. Furthermore, missense variants represent the minority of disease-causing variants, with 65-70% of pathogenic variants in the DMD gene being exon-level deletions and duplications (Aartsma-Rus et al., 2006).

Natera, Inc.
Classification: Uncertain significance for Becker muscular dystrophy; Cardiomyopathy; Duchenne muscular dystrophy; Dystrophin deficiency. Last evaluated: 2019-01-02. Review status: no assertion criteria provided. Collection method: clinical testing. Allele origin: germline. Not counted in ClinVar's aggregate classification.

NM_004006.3(DMD):c.6632A>G (p.Asn2211Ser)

Gene: DMD (dystrophin; minus strand). Cytogenetic location: Xp21.1.
Variant type: single nucleotide variant.
Coding change: c.6632A>G on transcript NM_004006.3 (MANE Select); coding-DNA position 6632, A replaced by G.
Protein change: p.Asn2211Ser; replaces asparagine 2211 with serine.
Molecular consequence: missense variant. On other transcripts: 5 prime UTR variant (5).
Genome position (GRCh38, 1-based): chrX:31,932,210, T>C on the plus strand (A>G on the coding strand, the complement: DMD is on the minus strand). VCF-style: chrX-31932210-T-C. GRCh37 (hg19) VCF-style: chrX-31950327-T-C.
Other names: c.6608A>G, p.Asn2203Ser (NM_000109.4); c.6620A>G, p.Asn2207Ser (NM_004009.3); c.6263A>G, p.Asn2088Ser (NM_004010.3); c.2609A>G, p.Asn870Ser (NM_004011.4); c.2600A>G, p.Asn867Ser (NM_004012.4); c.-749A>G (NM_004013.3, NM_004020.4, NM_004021.3 and 2 more transcripts); short protein forms N2211S, N2207S, N2203S, N870S, N2088S, N867S.
Identifiers: ClinVar variation 426608 (VCV000426608.13), dbSNP rs900089672, ClinGen allele CA328487806.
Genomic context (GRCh38, chrX:31,932,210, plus strand): 5'-TCTGCTTCCTCCAACCATAAAACAAATTCATTTAAATCTCTTTGAAATTCTGACAAGATA[T>C]TCTTTTGTTCTTCTAGCCTGGAGAAAGAAGAATAAAATTGTTATTTTTTTTTCCAACATA-3'
Protein context (NP_003997.2, residues 2201-2221): DRKKRLEEQK[Asn2211Ser]ILSEFQRDLN